The following is an entry in ClinVar:

ClinVar aggregate classification (germline): Uncertain significance (1 of 4 stars; one submission).

Allele frequency attached by ClinVar (database versions not stated): gnomAD below 0.00001 and 0.00001; TOPMed 0.00001.

Submission:

Labcorp Genetics (formerly Invitae), Labcorp
Classification: Uncertain significance. Last evaluated: 2022-02-04. Review status: criteria provided, single submitter. Criteria: Invitae Variant Classification Sherloc (09022015). Collection method: clinical testing. Allele origin: germline.
Comment: ClinVar contains an entry for this variant (Variation ID: 954464). Algorithms developed to predict the effect of missense changes on protein structure and function are either unavailable or do not agree on the potential impact of this missense change (SIFT: "Deleterious"; PolyPhen-2: "Probably Damaging"; Align-GVGD: "Class C0"). In summary, the available evidence is currently insufficient to determine the role of this variant in disease. Therefore, it has been classified as a Variant of Uncertain Significance. This variant has not been reported in the literature in individuals affected with SZT2-related conditions. This sequence change replaces glycine, which is neutral and non-polar, with cysteine, which is neutral and slightly polar, at codon 1888 of the SZT2 protein (p.Gly1888Cys). This variant is not present in population databases (gnomAD no frequency).

NM_001365999.1(SZT2):c.5833G>T (p.Gly1945Cys)

Gene: SZT2 (SZT2 subunit of KICSTOR complex; plus strand). Cytogenetic location: 1p34.2.
Variant type: single nucleotide variant.
Coding change: c.5833G>T on transcript NM_001365999.1 (MANE Select); coding-DNA position 5833, G replaced by T.
Protein change: p.Gly1945Cys; replaces glycine 1945 with cysteine.
Molecular consequence: missense variant.
Genome position (GRCh38, 1-based): chr1:43,434,414, G>T. VCF-style: chr1-43434414-G-T. GRCh37 (hg19) VCF-style: chr1-43900085-G-T.
Other names: c.5662G>T, p.Gly1888Cys (NM_015284.4); short protein forms G1945C, G1888C.
Identifiers: ClinVar variation 954464 (VCV000954464.9), dbSNP rs1343376687, ClinGen allele CA340027188.